The following is an entry in ClinVar:

ClinVar aggregate classification (germline): Uncertain significance. Review status: criteria provided, multiple submitters, no conflicts (2 of 4 stars). 2 submissions from 2 submitters: Uncertain significance (2). Last evaluated 2021-12-18.

Conditions:
Familial thoracic aortic aneurysm and aortic dissection (TAAD). Also called: Thoracic aortic aneurysms and dissections. Identifiers: Orphanet 91387, MedGen C4707243, MONDO:0019625.
Congenital contractural arachnodactyly (CCA). Also called: BEALS SYNDROME; Arthrogryposis, distal, type 9; Beals-Hecht syndrome. Identifiers: Orphanet 115, MedGen C0220668, MONDO:0007363, OMIM 121050.

Submissions (2):

Labcorp Genetics (formerly Invitae), Labcorp
Classification: Uncertain significance for Congenital contractural arachnodactyly. Last evaluated: 2021-12-18. Review status: criteria provided, single submitter. Criteria: Invitae Variant Classification Sherloc (09022015). Collection method: clinical testing. Allele origin: germline.
Comment: In summary, the available evidence is currently insufficient to determine the role of this variant in disease. Therefore, it has been classified as a Variant of Uncertain Significance. Algorithms developed to predict the effect of sequence changes on RNA splicing suggest that this variant may create or strengthen a splice site. Advanced modeling of protein sequence and biophysical properties (such as structural, functional, and spatial information, amino acid conservation, physicochemical variation, residue mobility, and thermodynamic stability) performed at Invitae indicates that this missense variant is expected to disrupt FBN2 protein function. This variant has not been reported in the literature in individuals affected with FBN2-related conditions. This variant is not present in population databases (gnomAD no frequency). This sequence change replaces glycine, which is neutral and non-polar, with valine, which is neutral and non-polar, at codon 1570 of the FBN2 protein (p.Gly1570Val).

Ambry Genetics
Classification: Uncertain significance for Familial thoracic aortic aneurysm and aortic dissection. Last evaluated: 2021-01-04. Review status: criteria provided, single submitter. Criteria: Ambry Variant Classification Scheme 2023. Collection method: clinical testing. Allele origin: germline.
Comment: The p.G1570V variant (also known as c.4709G>T), located in coding exon 36 of the FBN2 gene, results from a G to T substitution at nucleotide position 4709. The glycine at codon 1570 is replaced by valine, an amino acid with dissimilar properties, and is located in the TGFBP #04 domain. This amino acid position is highly conserved in available vertebrate species. In addition, this alteration is predicted to be deleterious by in silico analysis. Since supporting evidence is limited at this time, the clinical significance of this alteration remains unclear.

NM_001999.4(FBN2):c.4709G>T (p.Gly1570Val)

Gene: FBN2 (fibrillin 2; minus strand). Cytogenetic location: 5q23.3.
Variant type: single nucleotide variant.
Coding change: c.4709G>T on transcript NM_001999.4 (MANE Select); coding-DNA position 4709, G replaced by T.
Protein change: p.Gly1570Val; replaces glycine 1570 with valine.
Molecular consequence: missense variant.
Genome position (GRCh38, 1-based): chr5:128,318,157, C>A on the plus strand (G>T on the coding strand, the complement: FBN2 is on the minus strand). VCF-style: chr5-128318157-C-A. GRCh37 (hg19) VCF-style: chr5-127653849-C-A.
Other names: short protein forms G1570V.
Identifiers: ClinVar variation 1742582 (VCV001742582.7), dbSNP rs1170930303, ClinGen allele CA360749247.